The following is an entry in ClinVar:

ClinVar aggregate classification (germline): Uncertain significance (1 of 4 stars; one submission).

Conditions:
Severe combined immunodeficiency due to DNA-PKcs deficiency. Also called: Immunodeficiency 26 with or without neurologic abnormalities; IMMUNODEFICIENCY 26 WITH NEUROLOGIC ABNORMALITIES. Identifiers: Orphanet 317425, MedGen C4014833, MONDO:0014423, OMIM 615966.

Allele frequency attached by ClinVar (database versions not stated): gnomAD exomes below 0.00001; TOPMed below 0.00001; gnomAD 0.00001.
gnomAD v4.1: 7 of 1,604,410 alleles (0.00044%); highest among the groups gnomAD compares: South Asian, 0.0034%; no homozygotes.

Submission:

Labcorp Genetics (formerly Invitae), Labcorp
Classification: Uncertain significance for Severe combined immunodeficiency due to DNA-PKcs deficiency. Last evaluated: 2022-08-23. Review status: criteria provided, single submitter. Criteria: Invitae Variant Classification Sherloc (09022015). Collection method: clinical testing. Allele origin: germline.
Comment: This variant has not been reported in the literature in individuals affected with PRKDC-related conditions. In summary, the available evidence is currently insufficient to determine the role of this variant in disease. Therefore, it has been classified as a Variant of Uncertain Significance. Experimental studies and prediction algorithms are not available or were not evaluated, and the functional significance of this variant is currently unknown. ClinVar contains an entry for this variant (Variation ID: 1054230). The frequency data for this variant in the population databases is considered unreliable, as metrics indicate poor data quality at this position in the gnomAD database. This sequence change replaces isoleucine, which is neutral and non-polar, with threonine, which is neutral and polar, at codon 1307 of the PRKDC protein (p.Ile1307Thr).

NM_006904.7(PRKDC):c.3920T>C (p.Ile1307Thr)

Gene: PRKDC (protein kinase, DNA-activated, catalytic subunit; minus strand). Cytogenetic location: 8q11.21.
Variant type: single nucleotide variant.
Coding change: c.3920T>C on transcript NM_006904.7 (MANE Select); coding-DNA position 3920, T replaced by C.
Protein change: p.Ile1307Thr; replaces isoleucine 1307 with threonine.
Molecular consequence: missense variant.
Genome position (GRCh38, 1-based): chr8:47,890,408, A>G on the plus strand (T>C on the coding strand, the complement: PRKDC is on the minus strand). VCF-style: chr8-47890408-A-G. GRCh37 (hg19) VCF-style: chr8-48802969-A-G.
Other names: c.3920T>C, p.Ile1307Thr (NM_001081640.2); short protein forms I1307T.
Identifiers: ClinVar variation 1054230 (VCV001054230.9), dbSNP rs1167261691, ClinGen allele CA371148887.